The following is an entry in ClinVar:

NM_001243925.2(MAPKAPK3):c.737C>T (p.Thr246Met)

Gene: MAPKAPK3 (MAPK activated protein kinase 3; plus strand). Cytogenetic location: 3p21.2.
Variant type: single nucleotide variant.
Coding change: c.737C>T on transcript NM_001243925.2 (MANE Select); coding-DNA position 737, C replaced by T.
Protein change: p.Thr246Met; replaces threonine 246 with methionine.
Molecular consequence: missense variant.
Genome position (GRCh38, 1-based): chr3:50,646,172, C>T. VCF-style: chr3-50646172-C-T. GRCh37 (hg19) VCF-style: chr3-50683603-C-T.
Other names: c.737C>T, p.Thr246Met (NM_001243926.2, NM_004635.5); c.737C>T (NM_004635.4); short protein forms T246M.
Identifiers: ClinVar variation 968184 (VCV000968184.8), dbSNP rs746597729, ClinGen allele CA2420354.

ClinVar aggregate classification (germline): Uncertain significance. Review status: criteria provided, multiple submitters, no conflicts (2 of 4 stars). 2 submissions from 2 submitters: Uncertain significance (2). Last evaluated 2025-11-01.

Allele frequency attached by ClinVar (database versions not stated): gnomAD 0.00001; ExAC 0.00002; gnomAD exomes 0.00002; TOPMed 0.00002.
gnomAD v4.1: 13 of 1,614,032 alleles (0.00081%); highest among the groups gnomAD compares: South Asian, 0.0022%; no homozygotes.

Submissions (2):

Labcorp Genetics (formerly Invitae), Labcorp
Classification: Uncertain significance. Last evaluated: 2025-11-01. Review status: criteria provided, single submitter. Criteria: Invitae Variant Classification Sherloc (09022015). Collection method: clinical testing. Allele origin: germline.
Comment: This sequence change replaces threonine, which is neutral and polar, with methionine, which is neutral and non-polar, at codon 246 of the MAPKAPK3 protein (p.Thr246Met). This variant is present in population databases (rs746597729, gnomAD 0.006%). This variant has not been reported in the literature in individuals affected with MAPKAPK3-related conditions. ClinVar contains an entry for this variant (Variation ID: 968184). An algorithm developed to predict the effect of missense changes on protein structure and function (PolyPhen-2) suggests that this variant is likely to be disruptive. In summary, the available evidence is currently insufficient to determine the role of this variant in disease. Therefore, it has been classified as a Variant of Uncertain Significance.

Ambry Genetics
Classification: Uncertain significance. Last evaluated: 2024-06-11. Review status: criteria provided, single submitter. Criteria: Ambry Variant Classification Scheme 2023. Collection method: clinical testing. Allele origin: germline.